The following is an entry in ClinVar:

ClinVar aggregate classification (germline): Likely benign. Review status: criteria provided, multiple submitters, no conflicts (2 of 4 stars). 3 submissions from 3 submitters: Likely benign (2). 1 of the submissions does not count toward it. Last evaluated 2026-09-01.

Conditions:
Short-rib thoracic dysplasia 6 with or without polydactyly (SRTD6). Also called: SHORT RIB-POLYDACTYLY SYNDROME, TYPE IIA; SHORT-RIB THORACIC DYSPLASIA 6 WITHOUT POLYDACTYLY; POLYDACTYLY WITH NEONATAL CHONDRODYSTROPHY, TYPE II; Majewski Syndrome; SHORT-RIB THORACIC DYSPLASIA 6 WITH POLYDACTYLY. Identifiers: MedGen C0024507, MONDO:0009894, OMIM 263520.
NEK1-related disorder. Also called: NEK1-related condition.

Allele frequency attached by ClinVar (database versions not stated): gnomAD 0.00001.
gnomAD v4.1: 20 of 1,610,200 alleles (0.0012%); highest among the groups gnomAD compares: South Asian, 0.0055%; no homozygotes.

Submissions (3):

CeGaT Center for Human Genetics Tuebingen
Classification: Likely benign. Last evaluated: 2026-09-01. Review status: criteria provided, single submitter. Criteria: CeGaT Center For Human Genetics Tuebingen Variant Classification Criteria Version 2. Collection method: clinical testing. Allele origin: germline. Affected: yes. Observed: 1 variant allele.
Comment: NEK1: BP4, BP7

Labcorp Genetics (formerly Invitae), Labcorp
Classification: Likely benign for Short-rib thoracic dysplasia 6 with or without polydactyly. Last evaluated: 2023-05-30. Review status: criteria provided, single submitter. Criteria: Invitae Variant Classification Sherloc (09022015). Collection method: clinical testing. Allele origin: germline.

PreventionGenetics, part of Exact Sciences
Classification: Likely benign for NEK1-related condition. Last evaluated: 2019-04-30. Review status: no assertion criteria provided. Collection method: clinical testing. Allele origin: germline. Not counted in ClinVar's aggregate classification.
Comment: This variant is classified as likely benign based on ACMG/AMP sequence variant interpretation guidelines (Richards et al. 2015 PMID: 25741868, with internal and published modifications).

NM_001199397.3(NEK1):c.990C>T (p.His330=)

Gene: NEK1 (NIMA related kinase 1; minus strand). Cytogenetic location: 4q33.
Variant type: single nucleotide variant.
Coding change: c.990C>T on transcript NM_001199397.3 (MANE Select); coding-DNA position 990, C replaced by T.
Protein change: p.His330=; no amino-acid change (histidine 330 retained).
Molecular consequence: synonymous variant. On other transcripts: non-coding transcript variant (2).
Genome position (GRCh38, 1-based): chr4:169,576,958, G>A on the plus strand (C>T on the coding strand, the complement: NEK1 is on the minus strand). VCF-style: chr4-169576958-G-A. GRCh37 (hg19) VCF-style: chr4-170498109-G-A.
Other names: c.990C>T (NM_012224.2); c.990C>T, p.His330= (NM_001199398.3, NM_001199399.3, NM_001199400.3 and 7 more transcripts).
Identifiers: ClinVar variation 1969873 (VCV001969873.8), dbSNP rs775175372, ClinGen allele CA3137891.